The following is an entry in ClinVar:

NM_001329943.3(KIAA0586):c.425del (p.Pro142fs)

Gene: KIAA0586 (KIAA0586; plus strand). Cytogenetic location: 14q23.1.
Variant type: Deletion.
Coding change: c.425del on transcript NM_001329943.3 (MANE Select); coding-DNA position 425, one base deleted (C; older notation c.425delC).
Protein change: p.Pro142fs; shifts the reading frame from proline 142.
Molecular consequence: frameshift variant.
Genome position (GRCh38, 1-based): chr14:58,442,720, C deleted; the last of 2 consecutive C bases (chr14:58,442,719-58,442,720); deleting either gives the same sequence. VCF-style (leftmost placement, unchanged base first): chr14-58442718-GC-G. GRCh37 (hg19) VCF-style: chr14-58909436-GC-G.
Other names: c.584del, p.Pro195fs (NM_001244189.2); c.380del, p.Pro127fs (NM_001244190.2); c.170del, p.Pro57fs (NM_001244191.2, NM_001329945.2, NM_001364700.1 and 1 more transcripts); c.293del, p.Pro98fs (NM_001244192.2); c.5del, p.Pro2fs (NM_001244193.2); c.425del, p.Pro142fs (NM_001329944.2, NM_001329946.2, NM_001329947.2 and 1 more transcripts); short protein forms P98fs, P127fs, P2fs, P142fs, P195fs, P57fs.
Identifiers: ClinVar variation 2585091 (VCV002585091.1), dbSNP rs2542786100, ClinGen allele CA2582341756.

ClinVar aggregate classification (germline): Likely pathogenic (1 of 4 stars; one submission).

Conditions:
Joubert syndrome 23 (JBTS23). Identifiers: Orphanet 475, MedGen C4084822, MONDO:0014664, OMIM 616490.

Submission:

Neuberg Centre For Genomic Medicine, NCGM
Classification: Likely pathogenic for Joubert syndrome 23. Review status: criteria provided, single submitter. Criteria: ACMG Guidelines, 2015. Collection method: clinical testing. Allele origin: germline. Inheritance: Autosomal recessive inheritance. Affected: yes.
Comment: The c.425del (p.Pro142LeufsTer6) frameshift variant in KIAA0586 gene has not been reported previously as a pathogenic variant nor as a benign variant, to our knowledge. The p.Pro142LeufsTer6 variant is novel (not in any individuals) in gnomAD Exomes and 1000 Genomes. This variant causes a frameshift starting with codon Proline 142, changes this amino acid to Leucine residue, and creates a premature Stop codon at position 6 of the new reading frame, denoted p.Pro142LeufsTer6. This variant is predicted to cause loss of normal protein function through protein truncation. Loss of function variants have been previously reported to be disease causing. For these reasons, this variant has been classified as Likely Pathogenic